The following is an entry in ClinVar:

NM_012431.3(SEMA3E):c.651C>G (p.Asp217Glu)

Gene: SEMA3E (semaphorin 3E; minus strand). Cytogenetic location: 7q21.11.
Variant type: single nucleotide variant.
Coding change: c.651C>G on transcript NM_012431.3 (MANE Select); coding-DNA position 651, C replaced by G.
Protein change: p.Asp217Glu; replaces aspartic acid 217 with glutamic acid.
Molecular consequence: missense variant.
Genome position (GRCh38, 1-based): chr7:83,408,387, G>C on the plus strand (C>G on the coding strand, the complement: SEMA3E is on the minus strand). VCF-style: chr7-83408387-G-C. GRCh37 (hg19) VCF-style: chr7-83037703-G-C.
Other names: c.471C>G, p.Asp157Glu (NM_001178129.2); short protein forms D157E, D217E.
Identifiers: ClinVar variation 3658666 (VCV003658666.2).

ClinVar aggregate classification (germline): Uncertain significance (1 of 4 stars; one submission).

Conditions:
CHARGE syndrome (CHARGE). Also called: Hittner Hirsch Kreh syndrome; CHARGE ASSOCIATION--COLOBOMA, HEART ANOMALY, CHOANAL ATRESIA, RETARDATION, GENITAL AND EAR ANOMALIES; Coloboma, heart anomaly, choanal atresia, retardation, genital and ear anomalies; CHARGE association; Hall-Hittner syndrome. Identifiers: Orphanet 138, MedGen C0265354, MONDO:0008965.

Submission:

Labcorp Genetics (formerly Invitae), Labcorp
Classification: Uncertain significance for CHARGE syndrome. Last evaluated: 2024-07-28. Review status: criteria provided, single submitter. Criteria: Invitae Variant Classification Sherloc (09022015). Collection method: clinical testing. Allele origin: germline.
Comment: This sequence change replaces aspartic acid, which is acidic and polar, with glutamic acid, which is acidic and polar, at codon 217 of the SEMA3E protein (p.Asp217Glu). This variant is not present in population databases (gnomAD no frequency). This variant has not been reported in the literature in individuals affected with SEMA3E-related conditions. Advanced modeling of protein sequence and biophysical properties (such as structural, functional, and spatial information, amino acid conservation, physicochemical variation, residue mobility, and thermodynamic stability) has been performed at Invitae for this missense variant, however the output from this modeling did not meet the statistical confidence thresholds required to predict the impact of this variant on SEMA3E protein function. In summary, the available evidence is currently insufficient to determine the role of this variant in disease. Therefore, it has been classified as a Variant of Uncertain Significance.